The following is an entry in ClinVar:

ClinVar aggregate classification (germline): Conflicting classifications of pathogenicity. Review status: criteria provided, conflicting classifications (1 of 4 stars). 2 submissions from 2 submitters: Uncertain significance (1); Benign (1). Last evaluated 2025-10-29.

Allele frequency attached by ClinVar (database versions not stated): TOPMed 0.00006; ExAC 0.00001; gnomAD exomes 0.00001; gnomAD 0.00005 and 0.00006.

Submissions (2):

Labcorp Genetics (formerly Invitae), Labcorp
Classification: Benign. Last evaluated: 2025-10-29. Review status: criteria provided, single submitter. Criteria: Invitae Variant Classification Sherloc (09022015). Collection method: clinical testing. Allele origin: germline.

GeneDx
Classification: Uncertain significance. Last evaluated: 2023-03-21. Review status: criteria provided, single submitter. Criteria: GeneDx Variant Classification Process June 2021. Collection method: clinical testing. Allele origin: germline. Affected: yes.
Comment: In silico analysis supports that this missense variant has a deleterious effect on protein structure/function; Has not been previously published as pathogenic or benign to our knowledge

NM_001854.4(COL11A1):c.2246C>T (p.Pro749Leu)

Gene: COL11A1 (collagen type XI alpha 1 chain; minus strand). Cytogenetic location: 1p21.1.
Variant type: single nucleotide variant.
Coding change: c.2246C>T on transcript NM_001854.4 (MANE Select); coding-DNA position 2246, C replaced by T.
Protein change: p.Pro749Leu; replaces proline 749 with leucine.
Molecular consequence: missense variant. On other transcripts: non-coding transcript variant (1).
Genome position (GRCh38, 1-based): chr1:102,996,038, G>A on the plus strand (C>T on the coding strand, the complement: COL11A1 is on the minus strand). VCF-style: chr1-102996038-G-A. GRCh37 (hg19) VCF-style: chr1-103461594-G-A.
Other names: c.2246C>T (NM_001854.3); c.2129C>T, p.Pro710Leu (NM_001190709.2); c.2282C>T, p.Pro761Leu (NM_080629.3); c.1898C>T, p.Pro633Leu (NM_080630.4); short protein forms P633L, P710L, P749L, P761L.
Identifiers: ClinVar variation 1034660 (VCV001034660.9), dbSNP rs776773238, ClinGen allele CA974517.
Genomic context (GRCh38, chr1:102,996,038, plus strand): 5'-TTTAACGTTACCTTTACTCCCCGGGGGCCCGGGTATCCAATAGGACCTTGTGGACCAGGG[G>A]GACCCTGAAATAGATGAATTACCACTTATACGTGTAATAAATTGAAAGTGCTACTCATTT-3'
Protein context (NP_001845.3, residues 739-759): GQSGEKGALG[Pro749Leu]PGPQGPIGYP